The following is an entry in ClinVar:

NM_001394062.1(MACF1):c.21958+2T>C

Gene: MACF1 (microtubule actin crosslinking factor 1; plus strand). Cytogenetic location: 1p34.3.
Variant type: single nucleotide variant.
Coding change: c.21958+2T>C on transcript NM_001394062.1 (MANE Select); the canonical splice donor site of the intron after coding-DNA position 21958, T replaced by C.
Molecular consequence: splice donor variant. On other transcripts: intron variant (2).
Genome position (GRCh38, 1-based): chr1:39,469,617, T>C. VCF-style: chr1-39469617-T-C. GRCh37 (hg19) VCF-style: chr1-39935289-T-C.
Other names: c.15694+885T>C (NM_012090.5); c.9949+885T>C (NM_001397473.1).
Identifiers: ClinVar variation 5006514 (VCV005006514.2).

ClinVar aggregate classification (germline): Uncertain significance (1 of 4 stars; one submission).

Conditions:
Lissencephaly 9 with complex brainstem malformation. Identifiers: Orphanet 572013, MedGen C5193029, MONDO:0032677, OMIM 618325.

Submission:

Juno Genomics, Hangzhou Juno Genomics, Inc
Classification: Uncertain significance for Lissencephaly 9 with complex brainstem malformation. Review status: criteria provided, single submitter. Criteria: ACMG Guidelines, 2015. Collection method: clinical testing. Allele origin: germline.
Comment: Absent from controls (or at extremely low frequency if recessive) in Genome Aggregation Database.